The following is an entry in ClinVar:

NM_198578.4(LRRK2):c.2422T>C (p.Phe808Leu)

Gene: LRRK2 (leucine rich repeat kinase 2; plus strand). Cytogenetic location: 12q12.
Variant type: single nucleotide variant.
Coding change: c.2422T>C on transcript NM_198578.4 (MANE Select); coding-DNA position 2422, T replaced by C.
Protein change: p.Phe808Leu; replaces phenylalanine 808 with leucine.
Molecular consequence: missense variant.
Genome position (GRCh38, 1-based): chr12:40,284,055, T>C. VCF-style: chr12-40284055-T-C. GRCh37 (hg19) VCF-style: chr12-40677857-T-C.
Other names: short protein forms F808L.
Identifiers: ClinVar variation 3540569 (VCV003540569.1).

ClinVar aggregate classification (germline): Uncertain significance (1 of 4 stars; one submission).

Conditions:
Inborn genetic diseases. Identifiers: MedGen C0950123, MeSH D030342.

Submission:

Ambry Genetics
Classification: Uncertain significance for Inborn genetic diseases. Last evaluated: 2024-07-05. Review status: criteria provided, single submitter. Criteria: Ambry Variant Classification Scheme 2023. Collection method: clinical testing. Allele origin: germline.
Comment: The p.F808L variant (also known as c.2422T>C), located in coding exon 19 of the LRRK2 gene, results from a T to C substitution at nucleotide position 2422. The phenylalanine at codon 808 is replaced by leucine, an amino acid with highly similar properties. This amino acid position is conserved. In addition, this alteration is predicted to be tolerated by in silico analysis. Based on the available evidence, the clinical significance of this variant remains unclear.